The following is an entry in ClinVar:

ClinVar aggregate classification (germline): Likely pathogenic (1 of 4 stars; one submission).

Conditions:
Intellectual developmental disorder, autosomal recessive 13. Also called: Intellectual disability, autosomal recessive 13. Identifiers: Orphanet 88616, MedGen C2750791, MONDO:0013173, OMIM 613192.

Submission:

Broad Center for Mendelian Genomics, Broad Institute of MIT and Harvard
Classification: Likely pathogenic for Intellectual developmental disorder, autosomal recessive 13. Last evaluated: 2023-05-02. Review status: criteria provided, single submitter. Criteria: ACMG Guidelines, 2015. Collection method: curation. Allele origin: germline. Inheritance: Autosomal recessive inheritance.
Comment: The p.Glu939ArgfsTer30 variant in TRAPPC9 has not been previously reported in individuals with autosomal recessive intellectual developmental disorder 13. This variant was absent from large population studies. This variant is predicted to cause a frameshift, which alters the protein‚Äôs amino acid sequence beginning at position 939 and leads to a premature termination codon 30 amino acids downstream. This alteration is then predicted to lead to a truncated or absent protein. Loss of function of the TRAPPC9 gene is an established disease mechanism in autosomal recessive intellectual developmental disorder 13. In summary, although additional studies are required to fully establish its clinical significance, this variant is likely pathogenic for autosomal recessive intellectual developmental disorder 13. ACMG/AMP Criteria applied: PVS1, PM2_Supporting (Richards 2015).

NM_001160372.4(TRAPPC9):c.2815dup (p.Ala939fs)

Gene: TRAPPC9 (trafficking protein particle complex subunit 9; minus strand). Cytogenetic location: 8q24.3.
Variant type: Duplication.
Coding change: c.2815dup on transcript NM_001160372.4 (MANE Select); coding-DNA position 2815, one base duplicated (G; older notation c.2815dupG).
Protein change: p.Ala939fs; shifts the reading frame from alanine 939.
Molecular consequence: frameshift variant. On other transcripts: non-coding transcript variant (1).
Genome position (GRCh38, 1-based): chr8:139,910,296, C duplicated on the plus strand (G on the coding strand, the reverse complement: TRAPPC9 is on the minus strand); the first of 2 consecutive C bases (chr8:139,910,296-139,910,297); duplicating either gives the same sequence. VCF-style (leftmost placement, unchanged base first): chr8-139910295-G-GC. GRCh37 (hg19) VCF-style: chr8-140922539-G-GC.
Other names: NR_164662.1:n.2904dup; c.2788dup, p.Ala930fs (NM_001321646.2); c.2836dup, p.Ala946fs (NM_001374682.1); c.2704dup, p.Ala902fs (NM_001374683.1); c.2671dup, p.Ala891fs (NM_001374684.1); c.2815dup, p.Ala939fs (NM_031466.8); short protein forms A891fs, A902fs, A930fs, A939fs, A946fs.
Identifiers: ClinVar variation 2500917 (VCV002500917.1), dbSNP rs2489805216, ClinGen allele CA2579754018.